The following is an entry in ClinVar:

ClinVar aggregate classification (germline): Uncertain significance (1 of 4 stars; one submission).

Conditions:
KIDINS220-related disorder. Also called: KIDINS220-related condition.

Submission:

PreventionGenetics, part of Exact Sciences
Classification: Uncertain significance for KIDINS220-related condition. Last evaluated: 2025-05-14. Review status: criteria provided, single submitter. Criteria: ACMG Guidelines, 2015. Collection method: clinical testing. Allele origin: germline.
Comment: The KIDINS220 c.2085A>T variant is not predicted to result in an amino acid change (p.=). This variant is predicted to alter splicing based on available splicing prediction programs (SpliceAI, Jaganathan et al. 2019. PubMed ID: 30661751). However, the use of computer prediction programs is not equivalent to functional evidence. To our knowledge, this variant has not been reported in the literature or in a large population database (gnomAD), indicating this variant is rare. At this time, the clinical significance of this variant is uncertain due to the absence of conclusive functional and genetic evidence.

NM_020738.4(KIDINS220):c.2085A>T (p.Ser695=)

Gene: KIDINS220 (kinase D interacting substrate 220; minus strand). Cytogenetic location: 2p25.1.
Variant type: single nucleotide variant.
Coding change: c.2085A>T on transcript NM_020738.4 (MANE Select); coding-DNA position 2085, A replaced by T.
Protein change: p.Ser695=; no amino-acid change (serine 695 retained).
Molecular consequence: synonymous variant. On other transcripts: non-coding transcript variant (2).
Genome position (GRCh38, 1-based): chr2:8,785,885, T>A on the plus strand (A>T on the coding strand, the complement: KIDINS220 is on the minus strand). VCF-style: chr2-8785885-T-A. GRCh37 (hg19) VCF-style: chr2-8926015-T-A.
Other names: c.2088A>T, p.Ser696= (NM_001348729.2, NM_001348731.2, NM_001348734.2 and 3 more transcripts); c.2085A>T, p.Ser695= (NM_001348732.2, NM_001348735.2, NM_001348738.2 and 3 more transcripts); c.1959A>T, p.Ser653= (NM_001348736.2).
Identifiers: ClinVar variation 4999808 (VCV004999808.1).